The following is an entry in ClinVar:

NM_001429.4(EP300):c.1985C>A (p.Ala662Glu)

Gene: EP300 (E1A binding protein p300; plus strand). Cytogenetic location: 22q13.2.
Variant type: single nucleotide variant.
Coding change: c.1985C>A on transcript NM_001429.4 (MANE Select); coding-DNA position 1985, C replaced by A.
Protein change: p.Ala662Glu; replaces alanine 662 with glutamic acid.
Molecular consequence: missense variant.
Genome position (GRCh38, 1-based): chr22:41,141,154, C>A. VCF-style: chr22-41141154-C-A. GRCh37 (hg19) VCF-style: chr22-41537158-C-A.
Other names: c.1985C>A, p.Ala662Glu (NM_001362843.2); short protein forms A662E.
Identifiers: ClinVar variation 1699491 (VCV001699491.3), dbSNP rs1339311567, ClinGen allele CA411688329.

ClinVar aggregate classification (germline): Uncertain significance (1 of 4 stars; one submission).

Conditions:
Menke-Hennekam syndrome 2 (MKHK2). Identifiers: MedGen C5193035, MONDO:0020769, OMIM 618333.

Submission:

Victorian Clinical Genetics Services, Murdoch Childrens Research Institute
Classification: Uncertain significance for Menke-Hennekam syndrome 2. Last evaluated: 2022-02-02. Review status: criteria provided, single submitter. Criteria: ACMG Guidelines, 2015. Collection method: clinical testing. Allele origin: germline. Inheritance: Autosomal dominant inheritance. Affected: yes.
Comment: Based on the classification scheme VCGS_Germline_v1.3.4, this variant is classified as VUS-3B. Following criteria are met: 0102 - Loss of function is a known mechanism of disease in this gene and is associated with Rubinstein-Taybi syndrome 2 (RSTS; MIM#613684) and Menke-Hennekam syndrome 2 (MHS2; MIM#618333). Additionally, dominant negative is a suggested mechanism (GeneReviews, PMID: 24381114). Variants reported to cause RSTS are found throughout the protein, whereas of the few variants reported to cause MHS, all were located in exon 31 (PMID: 29460469). (I) 0107 - This gene is associated with autosomal dominant disease. (I) 0200 - Variant is predicted to result in a missense amino acid change from alanine to glutamic acid (exon 10). (I) 0251 - This variant is heterozygous. (I) 0301 - Variant is absent from gnomAD (both v2 and v3). (SP) 0309 - An alternative amino acid change at the same position has been observed in gnomAD (v2) (1 heterozygote, 0 homozygotes). (I) 0502 - Missense variant with conflicting in silico predictions and uninformative conservation. (I) 0604 - Variant is not located in an established domain, motif, hotspot or informative constraint region. (I) 0710 - Another missense variant comparable to the one identified in this case has inconclusive previous evidence for pathogenicity. This alternative change (p.(Ala662Val)) has been reported as paternally inherited in an individual with CHARGE syndrome, who was also heterozygous for a pathogenic variant in the CHD7 gene. The clinical status of this individual's father was not described, and the variant was not classified (PMID: 32851286). (I) 0807 - This variant has no previous evidence of pathogenicity. (I) 0905 - No published segregation evidence has been identified for this variant. (I) 1007 - No published functional evidence has been identified for this variant. (SP) Legend: (SP) - Supporting pathogenic, (I) - Information, (SB) - Supporting benign

Literature cited by the submitters: PubMed 24381114; PubMed 29460469; PubMed 32851286.